The following is an entry in ClinVar:

ClinVar aggregate classification (germline): Pathogenic. Review status: criteria provided, single submitter (1 of 4 stars). 2 submissions from 2 submitters: Pathogenic (1). 1 of the submissions does not count toward it. Last evaluated 2026-02-03.

Conditions:
Cardiomyopathy, dilated, 2G. Identifiers: MedGen C5676995, MONDO:0030887, OMIM 619897.

Allele frequency attached by ClinVar (database versions not stated): gnomAD 0.00001; TOPMed 0.00001; ExAC 0.00007; 1000 Genomes Project 30x 0.00016; 1000 Genomes Project 0.00020.
gnomAD v4.1: 12 of 1,565,848 alleles (0.00077%); highest among the groups gnomAD compares: Admixed American, 0.0038%; no homozygotes.

Submissions (2):

Dasa
Classification: Pathogenic. Last evaluated: 2026-02-03. Review status: criteria provided, single submitter. Criteria: DASA Assertion Criteria. Collection method: clinical testing. Allele origin: germline.
Comment: NM_207163.3(LMOD2):c.1537C>T (p.Arg513*) introduces a premature termination codon predicted to result in loss of normal protein function. Loss-of-function is an established mechanism of disease for this gene. Segregation evidence has been reported in affected families. Functional evidence supports a deleterious effect on the gene or gene product (PMID: 38748723; PMID: 34888509). This variant has been recurrently observed in individuals with related phenotype (PMID: 38748723; PMID: 34888509). The variant is present at low frequency in population datasets. Based on the available data, this variant is classified as pathogenic.

OMIM
Classification: Pathogenic for CARDIOMYOPATHY, DILATED, 2G. Last evaluated: 2022-05-26. Review status: no assertion criteria provided. Collection method: literature only. Allele origin: germline. Not counted in ClinVar's aggregate classification.

Literature cited by the submitters: PubMed 38748723 (cited by Dasa); PubMed 34888509 (cited by Dasa and OMIM).

NM_207163.3(LMOD2):c.1537C>T (p.Arg513Ter)

Gene: LMOD2 (leiomodin 2; plus strand). Cytogenetic location: 7q31.32.
Variant type: single nucleotide variant.
Coding change: c.1537C>T on transcript NM_207163.3 (MANE Select); coding-DNA position 1537, C replaced by T.
Protein change: p.Arg513Ter; replaces arginine 513 with a stop codon.
Molecular consequence: nonsense.
Genome position (GRCh38, 1-based): chr7:123,663,123, C>T. VCF-style: chr7-123663123-C-T. GRCh37 (hg19) VCF-style: chr7-123303177-C-T.
Other names: R513*.
Identifiers: ClinVar variation 1687096 (VCV001687096.2), dbSNP rs201276725, ClinGen allele CA4463219.